The following is an entry in ClinVar:

ClinVar aggregate classification (germline): Conflicting classifications of pathogenicity. Review status: criteria provided, conflicting classifications (1 of 4 stars). 2 submissions from 2 submitters: Likely pathogenic (1); Uncertain significance (1). Last evaluated 2025-02-20.

Conditions:
Cardiovascular phenotype. Identifiers: MedGen CN230736.
Hereditary cancer-predisposing syndrome. Also called: Neoplastic Syndromes, Hereditary; Tumor predisposition; Hereditary Cancer Syndrome; Hereditary neoplastic syndrome. Identifiers: Orphanet 140162, MedGen C0027672, MeSH D009386, MONDO:0015356.

Allele frequency attached by ClinVar (database versions not stated): gnomAD exomes below 0.00001.
gnomAD v4.1: 2 of 1,587,430 alleles (0.00013%); highest among the groups gnomAD compares: African/African-American, 0.0014%; no homozygotes.

Submissions (2):

Ambry Genetics
Classification: Likely pathogenic for Cardiovascular phenotype; Hereditary cancer-predisposing syndrome. Last evaluated: 2025-02-20. Review status: criteria provided, single submitter. Criteria: Ambry Variant Classification Scheme 2023. Collection method: clinical testing. Allele origin: germline.
Comment: The c.651G>A variant (also known as p.E217E), located in coding exon 7 of the LZTR1 gene, results from a G to A substitution at nucleotide position 651. This nucleotide substitution does not change the glutamine at codon 217. However, this change occurs in the last base pair of coding exon 7, which makes it likely to have some effect on normal mRNA splicing. This nucleotide position is highly conserved in available vertebrate species. In silico splice site analysis predicts that this alteration will weaken the native splice donor site and may result in the creation or strengthening of a novel splice donor site, and RNA studies have demonstrated that this alteration results in abnormal splicing in the set of samples tested (Ambry internal data). This variant is considered to be rare based on population cohorts in the Genome Aggregation Database (gnomAD). Based on the supporting evidence, this variant is likely pathogenic for an increased risk of LZTR1-related schwannomatosis (SWN) and would be expected to cause autosomal recessive Noonan syndrome when present along with a second pathogenic or likely pathogenic variant on the other allele; however, the association of this alteration with autosomal dominant Noonan syndrome is unlikely.

Labcorp Genetics (formerly Invitae), Labcorp
Classification: Uncertain significance. Last evaluated: 2025-02-17. Review status: criteria provided, single submitter. Criteria: Invitae Variant Classification Sherloc (09022015). Collection method: clinical testing. Allele origin: germline.
Comment: This sequence change affects codon 217 of the LZTR1 mRNA. It is a 'silent' change, meaning that it does not change the encoded amino acid sequence of the LZTR1 protein. This variant also falls at the last nucleotide of exon 7, which is part of the consensus splice site for this exon. This variant is not present in population databases (gnomAD no frequency). This variant has not been reported in the literature in individuals affected with LZTR1-related conditions. ClinVar contains an entry for this variant (Variation ID: 1754010). Variants that disrupt the consensus splice site are a relatively common cause of aberrant splicing (PMID: 17576681, 9536098). Algorithms developed to predict the effect of sequence changes on RNA splicing suggest that this variant may disrupt the consensus splice site. In summary, the available evidence is currently insufficient to determine the role of this variant in disease. Therefore, it has been classified as a Variant of Uncertain Significance.

Literature cited by the submitters: PubMed 17576681 (cited by Labcorp Genetics (formerly Invitae), Labcorp); PubMed 9536098 (cited by Labcorp Genetics (formerly Invitae), Labcorp).

NM_006767.4(LZTR1):c.651G>A (p.Glu217=)

Gene: LZTR1 (leucine zipper like post translational regulator 1; plus strand). Cytogenetic location: 22q11.21.
Variant type: single nucleotide variant.
Coding change: c.651G>A on transcript NM_006767.4 (MANE Select); coding-DNA position 651, G replaced by A.
Protein change: p.Glu217=; no amino-acid change (glutamic acid 217 retained).
Molecular consequence: synonymous variant.
Genome position (GRCh38, 1-based): chr22:20,989,682, G>A. VCF-style: chr22-20989682-G-A. GRCh37 (hg19) VCF-style: chr22-21343971-G-A.
Identifiers: ClinVar variation 1754010 (VCV001754010.4), dbSNP rs2518614988, ClinGen allele CA513489979.